The following is an entry in ClinVar:

ClinVar aggregate classification (germline): Conflicting classifications of pathogenicity. Review status: criteria provided, conflicting classifications (1 of 4 stars). 6 submissions from 3 submitters: Uncertain significance (4); Likely benign (2). Last evaluated 2025-04-29.

Conditions:
PROM1-related disorder. Also called: PROM1-related condition; PROM1-related disorders.
Retinal macular dystrophy type 2 (MCDR2). Also called: Bull's eye macular dystrophy. Identifiers: Orphanet 319640, MedGen C4749334, MONDO:0011957, OMIM 608051.
Cone-rod dystrophy 12 (CORD12). Identifiers: Orphanet 1872, MedGen C2675210, MONDO:0012983, OMIM 612657.
Stargardt disease 4 (STGD4). Identifiers: Orphanet 827, MedGen C1863534, MONDO:0011370, OMIM 603786.
Retinitis pigmentosa (RP). Identifiers: Orphanet 791, MedGen C0035334, MeSH D012174, MONDO:0019200, OMIM 268000. Inheritance: Autosomal dominant, autosomal recessive and X linked inheritance.

Allele frequency attached by ClinVar (database versions not stated): ExAC 0.00001; gnomAD 0.00001; gnomAD exomes 0.00003; TOPMed 0.00003.
gnomAD v4.1: 73 of 1,571,058 alleles (0.0046%); highest among the groups gnomAD compares: Non-Finnish European, 0.0058%; no homozygotes.

Submissions (6):

PreventionGenetics, part of Exact Sciences
Classification: Likely benign for PROM1-related condition. Last evaluated: 2025-04-29. Review status: criteria provided, single submitter. Criteria: ACMG Guidelines, 2015. Collection method: clinical testing. Allele origin: germline.
Comment: This variant is classified as likely benign based on ACMG/AMP sequence variant interpretation guidelines (Richards et al. 2015 PMID: 25741868, with internal and published modifications).

Labcorp Genetics (formerly Invitae), Labcorp
Classification: Likely benign. Last evaluated: 2021-05-26. Review status: criteria provided, single submitter. Criteria: Invitae Variant Classification Sherloc (09022015). Collection method: clinical testing. Allele origin: germline.

Illumina Laboratory Services, Illumina
Classification: Uncertain significance for Retinitis pigmentosa. Last evaluated: 2018-01-13. Review status: criteria provided, single submitter. Criteria: ICSL Variant Classification Criteria 13 December 2019. Collection method: clinical testing. Allele origin: germline.

Illumina Laboratory Services, Illumina
Classification: Uncertain significance for Stargardt disease 4. Last evaluated: 2018-01-13. Review status: criteria provided, single submitter. Criteria: ICSL Variant Classification Criteria 13 December 2019. Collection method: clinical testing. Allele origin: germline.

Illumina Laboratory Services, Illumina
Classification: Uncertain significance for Cone-rod dystrophy 12. Last evaluated: 2018-01-13. Review status: criteria provided, single submitter. Criteria: ICSL Variant Classification Criteria 13 December 2019. Collection method: clinical testing. Allele origin: germline.

Illumina Laboratory Services, Illumina
Classification: Uncertain significance for Retinal macular dystrophy type 2. Last evaluated: 2018-01-13. Review status: criteria provided, single submitter. Criteria: ICSL Variant Classification Criteria 13 December 2019. Collection method: clinical testing. Allele origin: germline.

NM_006017.3(PROM1):c.1578+9G>C

Gene: PROM1 (prominin 1; minus strand). Cytogenetic location: 4p15.32.
Variant type: single nucleotide variant.
Coding change: c.1578+9G>C on transcript NM_006017.3 (MANE Select); 9 bases into the intron after coding-DNA position 1578, G replaced by C.
Molecular consequence: intron variant.
Genome position (GRCh38, 1-based): chr4:16,000,487, C>G on the plus strand (G>C on the coding strand, the complement: PROM1 is on the minus strand). VCF-style: chr4-16000487-C-G. GRCh37 (hg19) VCF-style: chr4-16002110-C-G.
Other names: c.1551+9G>C (NM_001145848.2, NM_001145852.2, NM_001145847.2 and 4 more transcripts); c.1578+9G>C (NM_001145850.2, NM_001145849.2).
Identifiers: ClinVar variation 347989 (VCV000347989.13), dbSNP rs747638667, ClinGen allele CA2866728.